The following is an entry in ClinVar:

ClinVar aggregate classification (germline): Uncertain significance (1 of 4 stars; one submission).

Submission:

Mayo Clinic Laboratories, Mayo Clinic
Classification: Uncertain significance. Last evaluated: 2024-02-12. Review status: criteria provided, single submitter. Criteria: ACMG Guidelines, 2015. Collection method: clinical testing. Allele origin: germline. Observed: 1 variant allele.
Comment: PM2

NM_002618.4(PEX13):c.1061C>G (p.Ser354Cys)

Gene: PEX13 (peroxisomal biogenesis factor 13; plus strand). Cytogenetic location: 2p15.
Variant type: single nucleotide variant.
Coding change: c.1061C>G on transcript NM_002618.4 (MANE Select); coding-DNA position 1061, C replaced by G.
Protein change: p.Ser354Cys; replaces serine 354 with cysteine.
Molecular consequence: missense variant.
Genome position (GRCh38, 1-based): chr2:61,048,619, C>G. VCF-style: chr2-61048619-C-G. GRCh37 (hg19) VCF-style: chr2-61275754-C-G.
Other names: p.Ser354Cys; short protein forms S354C.
Identifiers: ClinVar variation 3380818 (VCV003380818.1).
Genomic context (GRCh38, chr2:61,048,619, plus strand): 5'-TTGGCAAAAGAAAAGGTAGGAAAACGGTGGAATCAAGTAAAGTTTCCAAGCAGCAACAAT[C>G]TTTTACCAACCCAACACTAACTAAAGGAGCCACGGTTGCTGATTCTTTGGATGAACAGGA-3'
Protein context (NP_002609.1, residues 344-364): ESSKVSKQQQ[Ser354Cys]FTNPTLTKGA